The following is an entry in ClinVar:

ClinVar aggregate classification (germline): Pathogenic. Review status: criteria provided, multiple submitters, no conflicts (2 of 4 stars). 2 submissions from 2 submitters: Pathogenic (2). Last evaluated 2019-11-19.

Conditions:
Familial cancer of breast. Also called: Hereditary breast cancer; hereditary breast carcinoma; BREAST CANCER, FAMILIAL. Identifiers: Orphanet 227535, MedGen C0346153, MONDO:0016419, OMIM 114480. Disease mechanism: loss of function.
Hereditary cancer-predisposing syndrome. Also called: Neoplastic Syndromes, Hereditary; Hereditary Cancer Syndrome; Hereditary neoplastic syndrome; Tumor predisposition. Identifiers: Orphanet 140162, MedGen C0027672, MeSH D009386, MONDO:0015356.

Submissions (2):

Ambry Genetics
Classification: Pathogenic for Hereditary cancer-predisposing syndrome. Last evaluated: 2019-11-19. Review status: criteria provided, single submitter. Criteria: Ambry Variant Classification Scheme 2023. Collection method: clinical testing. Allele origin: germline.
Comment: The c.321_324delATGT pathogenic mutation, located in coding exon 2 of the CHEK2 gene, results from a deletion of 4 nucleotides at nucleotide positions 321 to 324, causing a translational frameshift with a predicted alternate stop codon (p.C108*). This alteration is expected to result in loss of function by premature protein truncation or nonsense-mediated mRNA decay. As such, this alteration is interpreted as a disease-causing mutation.

Labcorp Genetics (formerly Invitae), Labcorp
Classification: Pathogenic for Familial cancer of breast. Last evaluated: 2019-08-28. Review status: criteria provided, single submitter. Criteria: Invitae Variant Classification Sherloc (09022015). Collection method: clinical testing. Allele origin: germline.
Comment: For these reasons, this variant has been classified as Pathogenic. Loss-of-function variants in CHEK2 are known to be pathogenic (PMID: 21876083, 24713400). This variant has not been reported in the literature in individuals with CHEK2-related conditions. This variant is not present in population databases (ExAC no frequency). This sequence change creates a premature translational stop signal (p.Cys108*) in the CHEK2 gene. It is expected to result in an absent or disrupted protein product.

Literature cited by the submitters: PubMed 21876083 (cited by Labcorp Genetics (formerly Invitae), Labcorp); PubMed 24713400 (cited by Labcorp Genetics (formerly Invitae), Labcorp).

NM_007194.4(CHEK2):c.321_324del (p.Glu107_Cys108insTer)

Gene: CHEK2 (checkpoint kinase 2; minus strand). Cytogenetic location: 22q12.1.
Variant type: Deletion.
Coding change: c.321_324del on transcript NM_007194.4 (MANE Select); coding-DNA positions 321 to 324, 4 bases deleted (ATGT; older notation c.321_324delATGT).
Protein change: p.Glu107_Cys108insTer.
Molecular consequence: frameshift variant. On other transcripts: nonsense (3).
Genome position (GRCh38, 1-based): chr22:28,725,363-28,725,366, ACAT deleted on the plus strand (ATGT on the coding strand, the reverse complement: CHEK2 is on the minus strand). VCF-style (leftmost placement, unchanged base first): chr22-28725362-CACAT-C. GRCh37 (hg19) VCF-style: chr22-29121350-CACAT-C.
Other names: c.321_324delATGT (NM_007194.3); c.450_453delATGT, p.Cys151Terfs (NM_001005735.3); c.-457_-454delATGT (NM_001257387.3); c.321_324delATGT, p.Cys108Terfs (NM_001349956.3, NM_145862.3).
Identifiers: ClinVar variation 933493 (VCV000933493.11), dbSNP rs2053967484, ClinGen allele CA1139666995.